The following is an entry in ClinVar:

ClinVar aggregate classification (germline): Pathogenic (1 of 4 stars; one submission).

Allele frequency attached by ClinVar (database versions not stated): TOPMed below 0.00001; gnomAD exomes 0.00001.

Submission:

Labcorp Genetics (formerly Invitae), Labcorp
Classification: Pathogenic. Last evaluated: 2022-10-26. Review status: criteria provided, single submitter. Criteria: Invitae Variant Classification Sherloc (09022015). Collection method: clinical testing. Allele origin: germline.
Comment: For these reasons, this variant has been classified as Pathogenic. This variant has not been reported in the literature in individuals affected with C8A-related conditions. This variant is not present in population databases (gnomAD no frequency). This sequence change creates a premature translational stop signal (p.Pro475Serfs*18) in the C8A gene. It is expected to result in an absent or disrupted protein product. Loss-of-function variants in C8A are known to be pathogenic (PMID: 9759902).

Literature cited by the submitters: PubMed 9759902.

NM_000562.3(C8A):c.1421_1422insCA (p.Pro475fs)

Gene: C8A (complement C8 alpha chain; plus strand). Cytogenetic location: 1p32.2.
Variant type: Insertion.
Coding change: c.1421_1422insCA on transcript NM_000562.3 (MANE Select); coding-DNA positions 1421 to 1422, CA inserted.
Protein change: p.Pro475fs; shifts the reading frame from proline 475.
Molecular consequence: frameshift variant.
Genome position: GRCh38 VCF-style: chr1-56912443-G-GCA. GRCh37 (hg19) VCF-style: chr1-57378116-G-GCA.
Other names: short protein forms P475fs.
Identifiers: ClinVar variation 2809688 (VCV002809688.3), dbSNP rs1644515876, ClinGen allele CA913075961.